The following is an entry in ClinVar:

ClinVar aggregate classification (germline): Uncertain significance. Review status: criteria provided, multiple submitters, no conflicts (2 of 4 stars). 2 submissions from 2 submitters: Uncertain significance (2). Last evaluated 2025-05-27.

Conditions:
Familial thoracic aortic aneurysm and aortic dissection (TAAD). Also called: Thoracic aortic aneurysms and dissections. Identifiers: Orphanet 91387, MedGen C4707243, MONDO:0019625.
Ehlers-Danlos syndrome, classic type, 1 (EDSCL1). Also called: EDS I; EHLERS-DANLOS SYNDROME, GRAVIS TYPE; EHLERS-DANLOS SYNDROME, SEVERE CLASSIC TYPE; Ehlers-Danlos syndrome, type 1; Ehlers-Danlos Syndrome, Classic Type, COL5A1-Related. Identifiers: MedGen C0268335, MONDO:0019567, OMIM 130000.

Allele frequency attached by ClinVar (database versions not stated): TOPMed 0.00001; gnomAD exomes 0.00001; gnomAD 0.00001.
gnomAD v4.1: 9 of 1,613,836 alleles (0.00056%); highest among the groups gnomAD compares: Admixed American, 0.0017%; no homozygotes.

Submissions (2):

Ambry Genetics
Classification: Uncertain significance for Familial thoracic aortic aneurysm and aortic dissection. Last evaluated: 2025-05-27. Review status: criteria provided, single submitter. Criteria: Ambry Variant Classification Scheme 2023. Collection method: clinical testing. Allele origin: germline.
Comment: The c.4185A>G variant (also known as p.K1395K), located in coding exon 53 of the COL5A2 gene, results from an A to G substitution at nucleotide position 4185. This nucleotide substitution does not change the lysine at codon 1395. This nucleotide position is well conserved in available vertebrate species. In silico splice site analysis predicts that this alteration may result in the creation or strengthening of a novel splice acceptor site. Based on the available evidence, the clinical significance of this variant remains unclear.

Labcorp Genetics (formerly Invitae), Labcorp
Classification: Uncertain significance for Ehlers-Danlos syndrome, classic type, 1. Last evaluated: 2023-02-16. Review status: criteria provided, single submitter. Criteria: Invitae Variant Classification Sherloc (09022015). Collection method: clinical testing. Allele origin: germline.
Comment: This sequence change affects codon 1395 of the COL5A2 mRNA. It is a 'silent' change, meaning that it does not change the encoded amino acid sequence of the COL5A2 protein. This variant is not present in population databases (gnomAD no frequency). This variant has not been reported in the literature in individuals affected with COL5A2-related conditions. Algorithms developed to predict the effect of sequence changes on RNA splicing suggest that this variant may create or strengthen a splice site. In summary, the available evidence is currently insufficient to determine the role of this variant in disease. Therefore, it has been classified as a Variant of Uncertain Significance.

NM_000393.5(COL5A2):c.4185A>G (p.Lys1395=)

Gene: COL5A2 (collagen type V alpha 2 chain; minus strand). Cytogenetic location: 2q32.2.
Variant type: single nucleotide variant.
Coding change: c.4185A>G on transcript NM_000393.5 (MANE Select); coding-DNA position 4185, A replaced by G.
Protein change: p.Lys1395=; no amino-acid change (lysine 1395 retained).
Molecular consequence: synonymous variant.
Genome position (GRCh38, 1-based): chr2:189,035,084, T>C on the plus strand (A>G on the coding strand, the complement: COL5A2 is on the minus strand). VCF-style: chr2-189035084-T-C. GRCh37 (hg19) VCF-style: chr2-189899810-T-C.
Other names: c.4185A>G (NM_000393.3).
Identifiers: ClinVar variation 2882806 (VCV002882806.4), dbSNP rs1342694343, ClinGen allele CA430442459.
Genomic context (GRCh38, chr2:189,035,084, plus strand): 5'-TTGATCGTCCATGTATCCTACACTGTTTTTACAGATGTAAGTGATGTTCTGGGAGGCTTC[T>C]TTTGATAAAAGGCGCAAAAAAGTCATCTGAGTAATGGCTGTATTAGGTGATTGGTGGTCT-3'
Protein context (NP_000384.2, residues 1385-1405): TQMTFLRLLS[Lys1395=]EASQNITYIC